The following is an entry in ClinVar:

NM_001127511.3(APC):c.165+21708C>A

Gene: APC (APC regulator of Wnt signaling pathway; plus strand). Cytogenetic location: 5q22.2.
Variant type: single nucleotide variant.
Coding change: c.165+21708C>A on transcript NM_001127511.3; 21708 bases into the intron after coding-DNA position 165, C replaced by A.
Molecular consequence: intron variant.
Genome position (GRCh38, 1-based): chr5:112,729,590, C>A. VCF-style: chr5-112729590-C-A. GRCh37 (hg19) VCF-style: chr5-112065287-C-A.
Other names: c.-1054+21708C>A (NM_001407470.1, NM_001407472.1); c.-19+21708C>A (NM_001407447.1, NM_001354895.2, NM_001407456.1 and 3 more transcripts); c.165+21708C>A (NM_001407446.1, NM_001354897.2, NM_001354902.2); c.-19+21941C>A (NM_001407448.1, NM_001407450.1, NM_001407457.1 and 1 more transcripts); c.-43+21941C>A (NM_001407453.1).
Identifiers: ClinVar variation 82300 (VCV000082300.4), dbSNP rs79620105, ClinGen allele CA023531.

ClinVar aggregate classification (germline): other (0 of 4 stars; one submission).

Conditions:
Familial colorectal cancer. Identifiers: MedGen CN280943, MONDO:0023113. Disease mechanism: loss of function.

Submission:

Systems Biology Platform Zhejiang California International NanoSystems Institute
Classification: other for Familial colorectal cancer. Review status: no assertion criteria provided. Collection method: not provided. Allele origin: unknown.
ClinVar note: Converted during submission from cancer to other.